The following is an entry in ClinVar:

ClinVar aggregate classification (germline): Likely benign. Review status: criteria provided, multiple submitters, no conflicts (2 of 4 stars). 2 submissions from 2 submitters: Likely benign (2). Last evaluated 2025-07-14.

Conditions:
Familial focal epilepsy with variable foci (FPEVF). Identifiers: Orphanet 98820, MedGen C1858477, MONDO:0020310.

gnomAD v4.1: 2 of 1,613,966 alleles (0.00012%); highest among the groups gnomAD compares: Non-Finnish European, 0.00017%; no homozygotes.

Submissions (2):

Labcorp Genetics (formerly Invitae), Labcorp
Classification: Likely benign for Familial focal epilepsy with variable foci. Last evaluated: 2025-07-14. Review status: criteria provided, single submitter. Criteria: Invitae Variant Classification Sherloc (09022015). Collection method: clinical testing. Allele origin: germline.

Women's Health and Genetics/Laboratory Corporation of America, LabCorp
Classification: Likely benign. Last evaluated: 2023-09-28. Review status: criteria provided, single submitter. Criteria: LabCorp Variant Classification Summary - May 2015. Collection method: clinical testing. Allele origin: germline.
Comment: Variant summary: DEPDC5 c.2995C>A alters a conserved nucleotide resulting in a synonymous change. Consensus agreement among computation tools predict no significant impact on normal splicing. However, these predictions have yet to be confirmed by functional studies. The variant was absent in 248812 control chromosomes (gnomAD). The available data on variant occurrences in the general population are insufficient to allow any conclusion about variant significance. To our knowledge, no occurrence of c.2995C>A in individuals affected with Epilepsy, Familial Focal, With Variable Foci 1 and no experimental evidence demonstrating its impact on protein function have been reported. One submitter has reported clinical-significance assessments for this variant to ClinVar after 2014 and has classified the variant as likely benign. Based on the evidence outlined above, the variant was classified as likely benign.

NM_001242896.3(DEPDC5):c.2995C>A (p.Arg999=)

Gene: DEPDC5 (DEP domain containing 5, GATOR1 subcomplex subunit; plus strand). Cytogenetic location: 22q12.3.
Variant type: single nucleotide variant.
Coding change: c.2995C>A on transcript NM_001242896.3 (MANE Select); coding-DNA position 2995, C replaced by A.
Protein change: p.Arg999=; no amino-acid change (arginine 999 retained).
Molecular consequence: synonymous variant. On other transcripts: non-coding transcript variant (5).
Genome position (GRCh38, 1-based): chr22:31,845,211, C>A. VCF-style: chr22-31845211-C-A. GRCh37 (hg19) VCF-style: chr22-32241197-C-A.
Other names: c.2968C>A, p.Arg990= (NM_001136029.4, NM_001369903.1, NM_014662.6); c.2761C>A, p.Arg921= (NM_001242897.2, NM_001363854.2, NM_001364319.2); c.2995C>A, p.Arg999= (NM_001363852.2, NM_001364318.2, NM_001364320.2); c.2911C>A, p.Arg971= (NM_001369901.1, NM_001369902.1).
Identifiers: ClinVar variation 1101745 (VCV001101745.9), dbSNP rs375050296, ClinGen allele CA514267608.